The following is an entry in ClinVar:

ClinVar aggregate classification (germline): Uncertain significance. Review status: criteria provided, multiple submitters, no conflicts (2 of 4 stars). 2 submissions from 2 submitters: Uncertain significance (2). Last evaluated 2024-05-31.

Submissions (2):

Blueprint Genetics
Classification: Uncertain significance. Last evaluated: 2024-05-31. Review status: criteria provided, single submitter. Criteria: ACMG Guidelines, 2015. Collection method: clinical testing. Allele origin: germline.

Labcorp Genetics (formerly Invitae), Labcorp
Classification: Uncertain significance. Last evaluated: 2024-04-29. Review status: criteria provided, single submitter. Criteria: Invitae Variant Classification Sherloc (09022015). Collection method: clinical testing. Allele origin: germline.
Comment: This sequence change replaces proline, which is neutral and non-polar, with alanine, which is neutral and non-polar, at codon 84 of the RP1L1 protein (p.Pro84Ala). This variant is present in population databases (rs748807865, gnomAD 0.006%). This variant has not been reported in the literature in individuals affected with RP1L1-related conditions. ClinVar contains an entry for this variant (Variation ID: 1430950). Advanced modeling of protein sequence and biophysical properties (such as structural, functional, and spatial information, amino acid conservation, physicochemical variation, residue mobility, and thermodynamic stability) has been performed at Invitae for this missense variant, however the output from this modeling did not meet the statistical confidence thresholds required to predict the impact of this variant on RP1L1 protein function. In summary, the available evidence is currently insufficient to determine the role of this variant in disease. Therefore, it has been classified as a Variant of Uncertain Significance.

NM_178857.6(RP1L1):c.250C>G (p.Pro84Ala)

Gene: RP1L1 (RP1 like 1). Cytogenetic location: 8p23.1.
Variant type: single nucleotide variant.
Coding change: c.250C>G on transcript NM_178857.6 (MANE Select); coding-DNA position 250, C replaced by G.
Protein change: p.Pro84Ala; replaces proline 84 with alanine.
Molecular consequence: missense variant.
Genome position (GRCh38, 1-based): chr8:10,622,952, G>C on the plus strand (C>G on the coding strand, the complement: RP1L1 is on the minus strand). VCF-style: chr8-10622952-G-C. GRCh37 (hg19) VCF-style: chr8-10480462-G-C.
Other names: short protein forms P84A.
Identifiers: ClinVar variation 1430950 (VCV001430950.9), dbSNP rs748807865, ClinGen allele CA4625793.